The following is an entry in ClinVar:

ClinVar aggregate classification (germline): Benign/Likely benign. Review status: criteria provided, multiple submitters, no conflicts (2 of 4 stars). 2 submissions from 2 submitters: Benign (1); Likely benign (1). Last evaluated 2026-03-10.

Submissions (2):

Women's Health and Genetics/Laboratory Corporation of America, LabCorp
Classification: Benign. Last evaluated: 2026-03-10. Review status: criteria provided, single submitter. Criteria: LabCorp Variant Classification Summary - May 2015. Collection method: clinical testing. Allele origin: germline.
Comment: Variant summary: NM_001723.7 DST c.-311810_-311806dupTCGCC (also known as NM_001144769.5 c.-11_-7dupTCGCC) is located in the untranscribed region upstream of the DST gene region. The variant allele was found at a frequency of 0.0021 in 234774 control chromosomes. The observed variant frequency exceeds the estimated maximal expected allele frequency for disease-causing variants in DST. To our knowledge, no occurrence of c.-311810_-311806dupTCGCC in individuals affected with DST-related conditions and no experimental evidence demonstrating its impact on protein function have been reported. No submitters have cited clinical-significance assessments for this variant to ClinVar. Based on the evidence outlined above, the variant was classified as benign.

Blueprint Genetics
Classification: Likely benign. Last evaluated: 2024-11-20. Review status: criteria provided, single submitter. Criteria: ACMG Guidelines, 2015. Collection method: clinical testing. Allele origin: germline.

NM_001374736.1(DST):c.-16TCGCC[3]

Gene: DST (dystonin; minus strand). Cytogenetic location: 6p12.1.
Variant type: Microsatellite.
Coding change: c.-16TCGCC[3] on transcript NM_001374736.1 (MANE Select); three copies in a row of the 5-base unit TCGCC starting at c.-16; the reference has two copies in a row; one copy, 5 bases duplicated.
Molecular consequence: 5 prime UTR variant. On other transcripts: genic upstream transcript variant (1).
Genome position (GRCh38, 1-based): chr6:56,954,594-56,954,598, GGCGA duplicated on the plus strand (TCGCC on the coding strand, the reverse complement: DST is on the minus strand); duplicating any 5 consecutive bases within chr6:56,954,594-56,954,605 gives the same sequence; the position shown is the placement nearest the transcript's 3' end. VCF-style (leftmost placement, unchanged base first): chr6-56954593-G-GGGCGA. GRCh37 (hg19) VCF-style: chr6-56819391-G-GGGCGA.
Other names: c.-311810_-311806dupTCGCC (NM_001723.7); c.-16TCGCC[3] (NM_001144769.5, NM_001374722.1, NM_001374734.1).
Identifiers: ClinVar variation 4847358 (VCV004847358.2).